The following is an entry in ClinVar:

NM_001277115.2(DNAH11):c.8932C>T (p.Gln2978Ter)

Gene: DNAH11 (dynein axonemal heavy chain 11; plus strand). Cytogenetic location: 7p15.3.
Variant type: single nucleotide variant.
Coding change: c.8932C>T on transcript NM_001277115.2 (MANE Select); coding-DNA position 8932, C replaced by T.
Protein change: p.Gln2978Ter; replaces glutamine 2978 with a stop codon.
Molecular consequence: nonsense.
Genome position (GRCh38, 1-based): chr7:21,750,356, C>T. VCF-style: chr7-21750356-C-T. GRCh37 (hg19) VCF-style: chr7-21789974-C-T.
Other names: c.8953C>T, p.Gln2985Ter (NM_003777.3); short protein forms Q2978*, Q2985*.
Identifiers: ClinVar variation 2715095 (VCV002715095.5), dbSNP rs772228900, ClinGen allele CA4181782.
Genomic context (GRCh38, chr7:21,750,356, plus strand): 5'-CTGGGCATGGTAGACTCCAGGGAAAACTGTTGGAAATTCTTTATGGCCAGGGTGCGACTA[C>T]AGCTCAAAGTAAGAAATACTTGCTTAATTTGCATGTTAGTTAAAACCTGCTATTGCAACT-3'

ClinVar aggregate classification (germline): Pathogenic/Likely pathogenic. Review status: criteria provided, multiple submitters, no conflicts (2 of 4 stars). 3 submissions from 3 submitters: Pathogenic (2); Likely pathogenic (1). Last evaluated 2025-02-19.

Conditions:
Primary ciliary dyskinesia. Also called: Ciliary dyskinesia. Identifiers: Orphanet 244, MedGen C0008780, MONDO:0016575, HP:0012265.
Primary ciliary dyskinesia 7. Also called: CILIARY DYSKINESIA, PRIMARY, 7, WITH OR WITHOUT SITUS INVERSUS. Identifiers: Orphanet 244, MedGen C2678473, MONDO:0012748, OMIM 611884.

Allele frequency attached by ClinVar (database versions not stated): gnomAD 0.00001; TOPMed 0.00001; ExAC 0.00002.
gnomAD v4.1: 10 of 1,602,466 alleles (0.00062%); highest among the groups gnomAD compares: Non-Finnish European, 0.00085%; no homozygotes.

Submissions (3):

Broad Center for Mendelian Genomics, Broad Institute of MIT and Harvard
Classification: Likely pathogenic for Primary ciliary dyskinesia 7. Last evaluated: 2025-02-19. Review status: criteria provided, single submitter. Criteria: ACMG Guidelines, 2015. Collection method: curation. Allele origin: germline. Inheritance: Autosomal recessive inheritance.
Comment: The p.Gln2978Ter variant in DNAH11 has been reported in 1 individual with primary ciliary dyskinesia (PMID: 31879361), and has been identified in 0.0008% (10/1174332) of European (non-Finnish) chromosomes by the Genome Aggregation Database (gnomAD; dbSNP rs772228900). Although this variant has been seen in the general population in a heterozygous state, its frequency is low enough to be consistent with a recessive carrier frequency. This nonsense variant leads to a premature termination codon at position 2978, which is predicted to lead to a truncated or absent protein. Loss of function of the DNAH11 gene is an established disease mechanism in autosomal recessive primary ciliary dyskinesia. In summary, although additional studies are required to fully establish its clinical significance, this variant is likely pathogenic for autosomal recessive primary ciliary dyskinesia. ACMG/AMP Criteria applied: PVS1, PM2_supporting (Richards 2015).

Women's Health and Genetics/Laboratory Corporation of America, LabCorp
Classification: Pathogenic for Primary ciliary dyskinesia 7. Last evaluated: 2024-12-26. Review status: criteria provided, single submitter. Criteria: LabCorp Variant Classification Summary - May 2015. Collection method: clinical testing. Allele origin: germline.
Comment: Variant summary: DNAH11 c.8932C>T (p.Gln2978X) results in a premature termination codon, predicted to cause absence of the protein due to nonsense mediated decay, which is a commonly known mechanism for disease. The frequency data for this variant in gnomAD is considered unreliable, as metrics indicate poor data quality at this position. c.8932C>T has been reported in the literature in an individual(s) affected with Primary Ciliary Dyskinesia 7 (Fassad_2020). The following publication has been ascertained in the context of this evaluation (PMID: 31879361). ClinVar contains an entry for this variant (Variation ID: 2715095). Based on the evidence outlined above, the variant was classified as pathogenic.

Labcorp Genetics (formerly Invitae), Labcorp
Classification: Pathogenic for Primary ciliary dyskinesia. Last evaluated: 2022-12-14. Review status: criteria provided, single submitter. Criteria: Invitae Variant Classification Sherloc (09022015). Collection method: clinical testing. Allele origin: germline.
Comment: For these reasons, this variant has been classified as Pathogenic. This premature translational stop signal has been observed in individual(s) with primary ciliary dyskinesia (PMID: 31879361). The frequency data for this variant in the population databases is considered unreliable, as metrics indicate poor data quality at this position in the gnomAD database. This sequence change creates a premature translational stop signal (p.Gln2978*) in the DNAH11 gene. It is expected to result in an absent or disrupted protein product. Loss-of-function variants in DNAH11 are known to be pathogenic (PMID: 18022865, 20513915, 22184204).

Literature cited by the submitters: PubMed 31879361 (cited by Women's Health and Genetics/Laboratory Corporation of America, LabCorp and Labcorp Genetics (formerly Invitae), Labcorp); PubMed 18022865 (cited by Labcorp Genetics (formerly Invitae), Labcorp); PubMed 20513915 (cited by Labcorp Genetics (formerly Invitae), Labcorp); PubMed 22184204 (cited by Labcorp Genetics (formerly Invitae), Labcorp).